The following is an entry in ClinVar:

ClinVar aggregate classification (germline): Uncertain significance (1 of 4 stars; one submission).

Conditions:
Ullrich congenital muscular dystrophy 2 (UCMD2). Identifiers: Orphanet 75840, MedGen C4225314, MONDO:0014654, OMIM 616470.
Bethlem myopathy 2 (BTHLM2). Identifiers: Orphanet 536516, Orphanet 610, MedGen C4225313, MONDO:0034022, OMIM 616471.

Submission:

Labcorp Genetics (formerly Invitae), Labcorp
Classification: Uncertain significance for Bethlem myopathy 2; Ullrich congenital muscular dystrophy 2. Last evaluated: 2022-03-18. Review status: criteria provided, single submitter. Criteria: Invitae Variant Classification Sherloc (09022015). Collection method: clinical testing. Allele origin: germline.
Comment: In summary, the available evidence is currently insufficient to determine the role of this variant in disease. Therefore, it has been classified as a Variant of Uncertain Significance. Algorithms developed to predict the effect of missense changes on protein structure and function are either unavailable or do not agree on the potential impact of this missense change (SIFT: "Deleterious"; PolyPhen-2: "Possibly Damaging"; Align-GVGD: "Class C0"). ClinVar contains an entry for this variant (Variation ID: 1052289). This variant has not been reported in the literature in individuals affected with COL12A1-related conditions. This variant is not present in population databases (gnomAD no frequency). This sequence change replaces serine, which is neutral and polar, with asparagine, which is neutral and polar, at codon 1102 of the COL12A1 protein (p.Ser1102Asn).

NM_004370.6(COL12A1):c.3305G>A (p.Ser1102Asn)

Gene: COL12A1 (collagen type XII alpha 1 chain; minus strand). Cytogenetic location: 6q13.
Variant type: single nucleotide variant.
Coding change: c.3305G>A on transcript NM_004370.6 (MANE Select); coding-DNA position 3305, G replaced by A.
Protein change: p.Ser1102Asn; replaces serine 1102 with asparagine.
Molecular consequence: missense variant. On other transcripts: intron variant (1).
Genome position (GRCh38, 1-based): chr6:75,155,800, C>T on the plus strand (G>A on the coding strand, the complement: COL12A1 is on the minus strand). VCF-style: chr6-75155800-C-T. GRCh37 (hg19) VCF-style: chr6-75865516-C-T.
Other names: c.74-3318G>A (NM_080645.3); short protein forms S1102N.
Identifiers: ClinVar variation 1052289 (VCV001052289.11), dbSNP rs2149423269, ClinGen allele CA364752826.
Genomic context (GRCh38, chr6:75,155,800, plus strand): 5'-TGGAATGTGACTTTATAACCCTTCACTTCCCCAGGGGCAGGCTCCCAAGTCACTCGGAAG[C>T]TTGACATGGTTGGGTCAGATGTTTTGAGGTTTCTAGGAGACTTAAACCGAGAAGCTGTAA-3'
Protein context (NP_004361.3, residues 1092-1112): NLKTSDPTMS[Ser1102Asn]FRVTWEPAPG